The following is an entry in ClinVar:

ClinVar aggregate classification (germline): Uncertain significance (1 of 4 stars; one submission).

Conditions:
Rhabdoid tumor predisposition syndrome 2 (RTPS2). Identifiers: Orphanet 231108, Orphanet 69077, MedGen C2750074, MONDO:0013224, OMIM 613325.

Submission:

Labcorp Genetics (formerly Invitae), Labcorp
Classification: Uncertain significance for Rhabdoid tumor predisposition syndrome 2. Last evaluated: 2023-01-02. Review status: criteria provided, single submitter. Criteria: Invitae Variant Classification Sherloc (09022015). Collection method: clinical testing. Allele origin: germline.
Comment: In summary, the available evidence is currently insufficient to determine the role of this variant in disease. Therefore, it has been classified as a Variant of Uncertain Significance. Advanced modeling of protein sequence and biophysical properties (such as structural, functional, and spatial information, amino acid conservation, physicochemical variation, residue mobility, and thermodynamic stability) performed at Invitae indicates that this missense variant is not expected to disrupt SMARCA4 protein function. This variant has not been reported in the literature in individuals affected with SMARCA4-related conditions. This variant is not present in population databases (gnomAD no frequency). This sequence change replaces proline, which is neutral and non-polar, with threonine, which is neutral and polar, at codon 597 of the SMARCA4 protein (p.Pro597Thr).

NM_003072.5(SMARCA4):c.1789C>A (p.Pro597Thr)

Gene: SMARCA4 (SWI/SNF related BAF chromatin remodeling complex subunit ATPase 4; plus strand). Cytogenetic location: 19p13.2.
Variant type: single nucleotide variant.
Coding change: c.1789C>A on transcript NM_003072.5 (MANE Select); coding-DNA position 1789, C replaced by A.
Protein change: p.Pro597Thr; replaces proline 597 with threonine.
Molecular consequence: missense variant. On other transcripts: non-coding transcript variant (1).
Genome position (GRCh38, 1-based): chr19:10,996,521, C>A. VCF-style: chr19-10996521-C-A. GRCh37 (hg19) VCF-style: chr19-11107197-C-A.
Other names: c.1789C>A, p.Pro597Thr (NM_001128844.3, NM_001128845.2, NM_001128846.2 and 6 more transcripts); short protein forms P597T.
Identifiers: ClinVar variation 2825967 (VCV002825967.3), dbSNP rs1060502097, ClinGen allele CA404064816.